The following is an entry in ClinVar:

ClinVar aggregate classification (germline): Benign/Likely benign. Review status: criteria provided, multiple submitters, no conflicts (2 of 4 stars). 2 submissions from 2 submitters: Benign (1); Likely benign (1). Last evaluated 2025-12-26.

Conditions:
Peutz-Jeghers syndrome (PJS). Also called: POLYPOSIS, HAMARTOMATOUS INTESTINAL; POLYPS-AND-SPOTS SYNDROME; Peutz-Jeghers polyposis; Periorificial lentiginosis syndrome. Identifiers: Orphanet 2869, MedGen C0031269, MeSH D010580, MONDO:0008280, OMIM 175200.
Hereditary cancer-predisposing syndrome. Also called: Tumor predisposition; Neoplastic Syndromes, Hereditary; Hereditary Cancer Syndrome; Hereditary neoplastic syndrome. Identifiers: Orphanet 140162, MedGen C0027672, MeSH D009386, MONDO:0015356.

Submissions (2):

Color Diagnostics, LLC DBA Color Health
Classification: Likely benign for Hereditary cancer-predisposing syndrome. Last evaluated: 2025-12-26. Review status: criteria provided, single submitter. Criteria: ACMG Guidelines, 2015. Collection method: clinical testing. Allele origin: germline.

Myriad Genetics, Inc.
Classification: Benign for Peutz-Jeghers syndrome. Last evaluated: 2025-03-26. Review status: criteria provided, single submitter. Criteria: Myriad Autosomal Dominant, Autosomal Recessive and X-Linked Classification Criteria (2023). Collection method: clinical testing. Allele origin: unknown.
Comment: This variant is considered benign. This variant is a silent/synonymous amino acid change and it is not expected to impact splicing.

NM_000455.5(STK11):c.429G>C (p.Val143=)

Gene: STK11 (serine/threonine kinase 11; plus strand). Cytogenetic location: 19p13.3.
Variant type: single nucleotide variant.
Coding change: c.429G>C on transcript NM_000455.5 (MANE Select); coding-DNA position 429, G replaced by C.
Protein change: p.Val143=; no amino-acid change (valine 143 retained).
Molecular consequence: synonymous variant. On other transcripts: non-coding transcript variant (1).
Genome position (GRCh38, 1-based): chr19:1,219,378, G>C. VCF-style: chr19-1219378-G-C. GRCh37 (hg19) VCF-style: chr19-1219377-G-C.
Other names: c.429G>C, p.Val143= (NM_001407255.1).
Identifiers: ClinVar variation 3904280 (VCV003904280.2).